The following is an entry in ClinVar:

NM_001292063.2(OTOG):c.5184C>G (p.Ala1728=)

Gene: OTOG (otogelin; plus strand). Cytogenetic location: 11p15.1.
Variant type: single nucleotide variant.
Coding change: c.5184C>G on transcript NM_001292063.2 (MANE Select); coding-DNA position 5184, C replaced by G.
Protein change: p.Ala1728=; no amino-acid change (alanine 1728 retained).
Molecular consequence: synonymous variant.
Genome position (GRCh38, 1-based): chr11:17,610,484, C>G. VCF-style: chr11-17610484-C-G. GRCh37 (hg19) VCF-style: chr11-17632031-C-G.
Other names: c.5220C>G, p.Ala1740= (NM_001277269.2); c.5220C>G (NM_001277269.1).
Identifiers: ClinVar variation 2716269 (VCV002716269.17), dbSNP rs543256557, ClinGen allele CA5905899.

ClinVar aggregate classification (germline): Likely benign. Review status: criteria provided, multiple submitters, no conflicts (2 of 4 stars). 3 submissions from 3 submitters: Likely benign (3). Last evaluated 2025-01-11.

Conditions:
OTOG-related disorder. Also called: OTOG-related condition.

Allele frequency attached by ClinVar (database versions not stated): TOPMed 0.00002; ExAC 0.00006; 1000 Genomes Project 30x 0.00031; 1000 Genomes Project 0.00040.
gnomAD v4.1: 44 of 1,550,572 alleles (0.0028%); highest among the groups gnomAD compares: East Asian, 0.039%; no homozygotes.

Submissions (3):

PreventionGenetics, part of Exact Sciences
Classification: Likely benign for OTOG-related condition. Last evaluated: 2025-01-11. Review status: criteria provided, single submitter. Criteria: ACMG Guidelines, 2015. Collection method: clinical testing. Allele origin: germline.
Comment: This variant is classified as likely benign based on ACMG/AMP sequence variant interpretation guidelines (Richards et al. 2015 PMID: 25741868, with internal and published modifications).

CeGaT Center for Human Genetics Tuebingen
Classification: Likely benign. Last evaluated: 2024-12-01. Review status: criteria provided, single submitter. Criteria: CeGaT Center For Human Genetics Tuebingen Variant Classification Criteria Version 2. Collection method: clinical testing. Allele origin: germline. Affected: yes. Observed: 1 variant allele.
Comment: OTOG: BP4, BP7

Labcorp Genetics (formerly Invitae), Labcorp
Classification: Likely benign. Last evaluated: 2024-02-26. Review status: criteria provided, single submitter. Criteria: Invitae Variant Classification Sherloc (09022015). Collection method: clinical testing. Allele origin: germline.